The following is an entry in ClinVar:

ClinVar aggregate classification (germline): Uncertain significance (1 of 4 stars; one submission).

Conditions:
Cardiovascular phenotype. Identifiers: MedGen CN230736.

gnomAD v4.1: 7 of 1,613,842 alleles (0.00043%); highest among the groups gnomAD compares: Admixed American, 0.005%; no homozygotes.

Submission:

Ambry Genetics
Classification: Uncertain significance for Cardiovascular phenotype. Last evaluated: 2025-07-24. Review status: criteria provided, single submitter. Criteria: Ambry Variant Classification Scheme 2023. Collection method: clinical testing. Allele origin: germline.
Comment: The p.I24T variant (also known as c.71T>C), located in coding exon 1 of the SCN10A gene, results from a T to C substitution at nucleotide position 71. The isoleucine at codon 24 is replaced by threonine, an amino acid with similar properties. This amino acid position is conserved. In addition, the in silico prediction for this alteration is inconclusive. Based on the available evidence, the clinical significance of this variant remains unclear.

NM_006514.4(SCN10A):c.71T>C (p.Ile24Thr)

Gene: SCN10A (sodium voltage-gated channel alpha subunit 10; minus strand). Cytogenetic location: 3p22.2.
Variant type: single nucleotide variant.
Coding change: c.71T>C on transcript NM_006514.4 (MANE Select); coding-DNA position 71, T replaced by C.
Protein change: p.Ile24Thr; replaces isoleucine 24 with threonine.
Molecular consequence: missense variant.
Genome position (GRCh38, 1-based): chr3:38,793,940, A>G on the plus strand (T>C on the coding strand, the complement: SCN10A is on the minus strand). VCF-style: chr3-38793940-A-G. GRCh37 (hg19) VCF-style: chr3-38835431-A-G.
Other names: c.71T>C, p.Ile24Thr (NM_001293306.2, NM_001293307.2); short protein forms I24T.
Identifiers: ClinVar variation 3950903 (VCV003950903.2).